The following is an entry in ClinVar:

ClinVar aggregate classification (germline): Uncertain significance (1 of 4 stars; one submission).

Conditions:
Autosomal recessive nonsyndromic hearing loss 1B. Also called: DEAFNESS, AUTOSOMAL RECESSIVE 1B. Identifiers: Orphanet 90636, MedGen C2675235, MONDO:0012977, OMIM 612645.
Autosomal recessive nonsyndromic hearing loss 1A (DFNB1A). Also called: Connexin 26 deafness; Deafness nonsyndromic, Connexin 26 linked; GJB6-Related DFNB 1 Nonsyndromic Hearing Loss and Deafness; Deafness, autosomal recessive 1A; Nonsyndromic Hearing Loss and Deafness, DFNB1; GJB2-Related Autosomal Recessive Nonsyndromic Hearing Loss. Identifiers: Orphanet 90636, MedGen C2673759, MONDO:0009076, OMIM 220290.
Autosomal dominant nonsyndromic hearing loss 3B. Identifiers: Orphanet 90635, MedGen C2675237, MONDO:0012975, OMIM 612643.
Hidrotic ectodermal dysplasia syndrome (GJB6). Also called: CLOUSTON HIDROTIC ECTODERMAL DYSPLASIA; Ectodermal dysplasia 2, hidrotic; Autosomal dominant hidrotic ectodermal dysplasia; Clouston syndrome; Clouston's hidrotic ectodermal dysplasia; ECTODERMAL DYSPLASIA 2, CLOUSTON TYPE. Identifiers: Orphanet 189, MedGen C0162361, MONDO:0007510, OMIM 129500.

Submission:

Labcorp Genetics (formerly Invitae), Labcorp
Classification: Uncertain significance for Autosomal dominant nonsyndromic hearing loss 3B; Hidrotic ectodermal dysplasia syndrome; Autosomal recessive nonsyndromic hearing loss 1B; Autosomal recessive nonsyndromic hearing loss 1A. Last evaluated: 2021-09-15. Review status: criteria provided, single submitter. Criteria: Invitae Variant Classification Sherloc (09022015). Collection method: clinical testing. Allele origin: germline.
Comment: A gross deletion of the genomic region encompassing the full coding sequence of the GJB6 gene has been identified. The current clinical and genetic evidence is not sufficient to establish whether loss-of-function variants in GJB6 cause disease. The boundaries of this event are unknown as they extend beyond the assayed region for this gene and therefore may encompass additional genes. A similar copy number variant has been observed in individual(s) with deafness (PMID: 27480936). In summary, the available evidence is currently insufficient to determine the role of this variant in disease. Therefore, it has been classified as a Variant of Uncertain Significance.

Literature cited by the submitters: PubMed 27480936.

NC_000013.10:g.(?_20796834)_(21099933_?)del

Genes: CRYL1 (crystallin lambda 1; minus strand), GJB6 (gap junction protein beta 6; minus strand). Cytogenetic location: 13q12.11.
Variant type: Deletion.
Identifiers: ClinVar variation 2425644 (VCV002425644.5).